The following is an entry in ClinVar:

ClinVar aggregate classification (germline): Uncertain significance (1 of 4 stars; one submission).

Allele frequency attached by ClinVar (database versions not stated): gnomAD exomes below 0.00001.
gnomAD v4.1: 1 of 1,606,600 alleles (0.000062%); highest among the groups gnomAD compares: Non-Finnish European, 0.000085%; no homozygotes.

Submission:

Labcorp Genetics (formerly Invitae), Labcorp
Classification: Uncertain significance. Last evaluated: 2023-12-28. Review status: criteria provided, single submitter. Criteria: Invitae Variant Classification Sherloc (09022015). Collection method: clinical testing. Allele origin: germline.
Comment: This sequence change replaces proline, which is neutral and non-polar, with leucine, which is neutral and non-polar, at codon 1596 of the SETBP1 protein (p.Pro1596Leu). This variant is not present in population databases (gnomAD no frequency). This variant has not been reported in the literature in individuals affected with SETBP1-related conditions. An algorithm developed to predict the effect of missense changes on protein structure and function (PolyPhen-2) suggests that this variant is likely to be disruptive. In summary, the available evidence is currently insufficient to determine the role of this variant in disease. Therefore, it has been classified as a Variant of Uncertain Significance.

NM_015559.3(SETBP1):c.4787C>T (p.Pro1596Leu)

Gene: SETBP1 (SET binding protein 1; plus strand). Cytogenetic location: 18q12.3.
Variant type: single nucleotide variant.
Coding change: c.4787C>T on transcript NM_015559.3 (MANE Select); coding-DNA position 4787, C replaced by T.
Protein change: p.Pro1596Leu; replaces proline 1596 with leucine.
Molecular consequence: missense variant.
Genome position (GRCh38, 1-based): chr18:45,063,694, C>T. VCF-style: chr18-45063694-C-T. GRCh37 (hg19) VCF-style: chr18-42643659-C-T.
Other names: c.4787C>T, p.Pro1596Leu (NM_001379141.1, NM_001379142.1); c.4616C>T, p.Pro1539Leu (NM_001410862.1); short protein forms P1539L, P1596L.
Identifiers: ClinVar variation 2820164 (VCV002820164.3), dbSNP rs2511371566, ClinGen allele CA402484157.